The following is an entry in ClinVar:

NM_013254.4(TBK1):c.1150C>T (p.Arg384Trp)

Gene: TBK1 (TANK binding kinase 1; plus strand). Cytogenetic location: 12q14.2.
Variant type: single nucleotide variant.
Coding change: c.1150C>T on transcript NM_013254.4 (MANE Select); coding-DNA position 1150, C replaced by T.
Protein change: p.Arg384Trp; replaces arginine 384 with tryptophan.
Molecular consequence: missense variant.
Genome position (GRCh38, 1-based): chr12:64,484,460, C>T. VCF-style: chr12-64484460-C-T. GRCh37 (hg19) VCF-style: chr12-64878240-C-T.
Other names: c.1150C>T (NM_013254.3); short protein forms R384W.
Identifiers: ClinVar variation 1427802 (VCV001427802.9), dbSNP rs753595352, ClinGen allele CA6668977.

ClinVar aggregate classification (germline): Uncertain significance. Review status: criteria provided, multiple submitters, no conflicts (2 of 4 stars). 4 submissions from 4 submitters: Uncertain significance (3). 1 of the submissions does not count toward it. Last evaluated 2025-12-23.

Conditions:
TBK1-related disorder. Also called: TBK1-related condition.
Frontotemporal dementia and/or amyotrophic lateral sclerosis 4. Also called: FTDALS4. Identifiers: Orphanet 275872, MedGen C4225325, MONDO:0014641, OMIM 616439.
Encephalopathy, acute, infection-induced (herpes-specific), susceptibility to, 8. Also called: HERPES SIMPLEX ENCEPHALITIS, SUSCEPTIBILITY TO, 6. Identifiers: MedGen C4693542, MONDO:0054754, OMIM 617900.

Allele frequency attached by ClinVar (database versions not stated): gnomAD 0.00001; gnomAD exomes 0.00002; TOPMed 0.00002; ExAC 0.00004.
gnomAD v4.1: 26 of 1,613,354 alleles (0.0016%); highest among the groups gnomAD compares: South Asian, 0.0033%; no homozygotes.

Submissions (4):

Women's Health and Genetics/Laboratory Corporation of America, LabCorp
Classification: Uncertain significance. Last evaluated: 2025-12-23. Review status: criteria provided, single submitter. Criteria: LabCorp Variant Classification Summary - May 2015. Collection method: clinical testing. Allele origin: germline.
Comment: Variant summary: TBK1 c.1150C>T (p.Arg384Trp) results in a non-conservative amino acid change in the encoded protein sequence. Algorithms developed to predict the effect of missense changes on protein structure and function are either unavailable or do not agree on the potential impact of this missense change. The variant allele was found at a frequency of 2e-05 in 250608 control chromosomes. The available data on variant occurrences in the general population are insufficient to allow any conclusion about variant significance. c.1150C>T has been observed in individual(s) affected with Frontotemporal dementia and/or amyotrophic lateral sclerosis 4 (Borghero_2016, Orme_2020). These data do not allow any conclusion about variant significance. To our knowledge, no experimental evidence demonstrating an impact on protein function has been reported. The following publications have been ascertained in the context of this evaluation (PMID: 27156075, 31996268). ClinVar contains an entry for this variant (Variation ID: 1427802). Based on the evidence outlined above, the variant was classified as uncertain significance.

Labcorp Genetics (formerly Invitae), Labcorp
Classification: Uncertain significance for Frontotemporal dementia and/or amyotrophic lateral sclerosis 4. Last evaluated: 2024-07-14. Review status: criteria provided, single submitter. Criteria: Invitae Variant Classification Sherloc (09022015). Collection method: clinical testing. Allele origin: germline.
Comment: This sequence change replaces arginine, which is basic and polar, with tryptophan, which is neutral and slightly polar, at codon 384 of the TBK1 protein (p.Arg384Trp). This variant is present in population databases (rs753595352, gnomAD 0.007%). This missense change has been observed in individual(s) with clinical features of TBK1-related conditions (PMID: 27156075, 31996268). This variant is also known as p.Arg384Thr. ClinVar contains an entry for this variant (Variation ID: 1427802). Advanced modeling of protein sequence and biophysical properties (such as structural, functional, and spatial information, amino acid conservation, physicochemical variation, residue mobility, and thermodynamic stability) performed at Invitae indicates that this missense variant is not expected to disrupt TBK1 protein function with a negative predictive value of 95%. In summary, the available evidence is currently insufficient to determine the role of this variant in disease. Therefore, it has been classified as a Variant of Uncertain Significance.

Fulgent Genetics
Classification: Uncertain significance for Frontotemporal dementia and/or amyotrophic lateral sclerosis 4; Encephalopathy, acute, infection-induced (herpes-specific), susceptibility to, 8. Last evaluated: 2022-03-09. Review status: criteria provided, single submitter. Criteria: ACMG Guidelines, 2015. Collection method: clinical testing. Allele origin: unknown.

PreventionGenetics, part of Exact Sciences
Classification: Uncertain significance for TBK1-related condition. Last evaluated: 2024-06-06. Review status: no assertion criteria provided. Collection method: clinical testing. Allele origin: germline. Not counted in ClinVar's aggregate classification.
Comment: The TBK1 c.1150C>T variant is predicted to result in the amino acid substitution p.Arg384Trp. This variant has been reported in one individual with amyotrophic lateral sclerosis and another unrelated individual with dementia (Borghero et al. 2016. PubMed ID: 27156075; Orme et al. 2020. PubMed ID: 31996268). A different missense change, c.1151G>A (p.Arg384Gln), has been reported in an individual with dementia but the variant was interpreted as uncertain (Orme et al. 2020. PubMed ID: 31996268). This variant is reported in 0.0066% of alleles in individuals of South Asian descent in gnomAD. Although we suspect that this variant may be pathogenic, at this time, the clinical significance of this variant is uncertain due to the absence of conclusive functional and genetic evidence.

Literature cited by the submitters: PubMed 31996268 (cited by Women's Health and Genetics/Laboratory Corporation of America, LabCorp and Labcorp Genetics (formerly Invitae), Labcorp); PubMed 27156075 (cited by Women's Health and Genetics/Laboratory Corporation of America, LabCorp and Labcorp Genetics (formerly Invitae), Labcorp).